The following is an entry in ClinVar:

NM_201384.3(PLEC):c.5932GAG[2] (p.Glu1980del)

Gene: PLEC (plectin; minus strand). Cytogenetic location: 8q24.3.
Variant type: Microsatellite.
Coding change: c.5932GAG[2] on transcript NM_201384.3 (MANE Select); two copies in a row of the 3-base unit GAG starting at c.5932; the reference has three copies in a row; one copy, 3 bases deleted.
Protein change: p.Glu1980del; deletes glutamic acid 1980.
Molecular consequence: inframe deletion.
Genome position (GRCh38, 1-based): chr8:143,923,989-143,923,991, CTC deleted on the plus strand (GAG on the coding strand, the reverse complement: PLEC is on the minus strand); deleting any 3 consecutive bases within chr8:143,923,989-143,923,998 gives the same sequence; the position shown is the placement nearest the transcript's 3' end. VCF-style (leftmost placement, unchanged base first): chr8-143923988-GCTC-G. GRCh37 (hg19) VCF-style: chr8-144998156-GCTC-G.
Other names: p.Glu2007del; c.6019_6021del (NM_000445.5); c.6013GAG[2], p.Glu2007del (NM_000445.5); c.5890GAG[2], p.Glu1966del (NM_201378.4); c.5866GAG[2], p.Glu1958del (NM_201379.3); c.6343GAG[2], p.Glu2117del (NM_201380.4); c.5836GAG[2], p.Glu1948del (NM_201381.3); c.5932GAG[2], p.Glu1980del (NM_201382.4); and 1 more; short protein forms E1984del, E1980del, E2117del, E2007del, E1948del, E1958del, E1966del.
Identifiers: ClinVar variation 657507 (VCV000657507.10), dbSNP rs781811075, ClinGen allele CA4926179.

ClinVar aggregate classification (germline): Uncertain significance. Review status: criteria provided, multiple submitters, no conflicts (2 of 4 stars). 2 submissions from 2 submitters: Uncertain significance (2). Last evaluated 2025-02-14.

Conditions:
Epidermolysis bullosa simplex 5C, with pyloric atresia (EBS5C). Also called: Epidermolysis bullosa simplex with pyloric atresia; PLEC-Related Epidermolysis Bullosa with Pyloric Atresia; PLEC1-Related Epidermolysis Bullosa with Pyloric Atresia. Identifiers: Orphanet 158684, MedGen C2677349, MONDO:0012807, OMIM 612138.
Epidermolysis bullosa simplex 5B, with muscular dystrophy (EBS5B). Also called: Epidermolysis bullosa simplex with muscular dystrophy; EPIDERMOLYSIS BULLOSA SIMPLEX AND LIMB-GIRDLE MUSCULAR DYSTROPHY. Identifiers: Orphanet 257, MedGen C2931072, MONDO:0009181, OMIM 226670.
Epidermolysis bullosa simplex, Ogna type (EBS5A). Also called: Pidermolysis bullosa simplex 5A, Ogna type; EPIDERMOLYSIS BULLOSA SIMPLEX 5A, OGNA TYPE. Identifiers: Orphanet 79401, MedGen C0432317, MONDO:0007555, OMIM 131950.
Epidermolysis bullosa simplex with nail dystrophy (EBS5D). Identifiers: MedGen C4225309, MONDO:0014661, OMIM 616487.
Autosomal recessive limb-girdle muscular dystrophy type 2Q (LGMDR17). Also called: MUSCULAR DYSTROPHY, LIMB-GIRDLE, AUTOSOMAL RECESSIVE 17. Identifiers: Orphanet 254361, MedGen C3150989, MONDO:0013390, OMIM 613723.

Submissions (2):

Labcorp Genetics (formerly Invitae), Labcorp
Classification: Uncertain significance for Autosomal recessive limb-girdle muscular dystrophy type 2Q; Epidermolysis bullosa simplex, Ogna type; Epidermolysis bullosa simplex with nail dystrophy; Epidermolysis bullosa simplex 5C, with pyloric atresia; Epidermolysis bullosa simplex 5B, with muscular dystrophy. Last evaluated: 2025-02-14. Review status: criteria provided, single submitter. Criteria: Invitae Variant Classification Sherloc (09022015). Collection method: clinical testing. Allele origin: germline.
Comment: This variant, c.6019_6021del, results in the deletion of 1 amino acid(s) of the PLEC protein (p.Glu2007del), but otherwise preserves the integrity of the reading frame. This variant is present in population databases (rs781811075, gnomAD 0.001%). This variant has not been reported in the literature in individuals affected with PLEC-related conditions. Experimental studies and prediction algorithms are not available or were not evaluated, and the functional significance of this variant is currently unknown. In summary, the available evidence is currently insufficient to determine the role of this variant in disease. Therefore, it has been classified as a Variant of Uncertain Significance.

Mayo Clinic Laboratories, Mayo Clinic
Classification: Uncertain significance. Last evaluated: 2023-10-11. Review status: criteria provided, single submitter. Criteria: ACMG Guidelines, 2015. Collection method: clinical testing. Allele origin: germline. Observed: 1 variant allele.
Comment: PM2_moderate